The following is an entry in ClinVar:

NM_031407.7(HUWE1):c.2280A>G (p.Glu760=)

Gene: HUWE1 (HECT, UBA and WWE domain containing E3 ubiquitin protein ligase 1; minus strand). Cytogenetic location: Xp11.22.
Variant type: single nucleotide variant.
Coding change: c.2280A>G on transcript NM_031407.7 (MANE Select); coding-DNA position 2280, A replaced by G.
Protein change: p.Glu760=; no amino-acid change (glutamic acid 760 retained).
Molecular consequence: synonymous variant.
Genome position (GRCh38, 1-based): chrX:53,608,891, T>C on the plus strand (A>G on the coding strand, the complement: HUWE1 is on the minus strand). VCF-style: chrX-53608891-T-C. GRCh37 (hg19) VCF-style: chrX-53635852-T-C.
Other names: c.2280A>G, p.Glu760= (NM_001441048.1, NM_001441049.1, NM_001441051.1 and 6 more transcripts); c.2301A>G, p.Glu767= (NM_001441050.1, NM_001441055.1).
Identifiers: ClinVar variation 4820896 (VCV004820896.4).

ClinVar aggregate classification (germline): Likely benign (1 of 4 stars; one submission).

gnomAD v4.1: 62 of 1,163,322 alleles (0.0053%); highest among the groups gnomAD compares: Middle Eastern, 0.094%; no homozygotes.

Submission:

CeGaT Center for Human Genetics Tuebingen
Classification: Likely benign. Last evaluated: 2026-01-01. Review status: criteria provided, single submitter. Criteria: CeGaT Center For Human Genetics Tuebingen Variant Classification Criteria Version 2. Collection method: clinical testing. Allele origin: germline. Affected: yes. Observed: 1 variant allele.
Comment: HUWE1: BP4, BP7, BS2